The following is an entry in ClinVar:

NM_001267550.2(TTN):c.42262_42268del (p.Gly14088fs)

Gene: TTN (titin; minus strand). Cytogenetic location: 2q31.2.
Variant type: Deletion.
Coding change: c.42262_42268del on transcript NM_001267550.2 (MANE Select); coding-DNA positions 42262 to 42268, 7 bases deleted (GGACCTG; older notation c.42262_42268delGGACCTG).
Protein change: p.Gly14088fs; shifts the reading frame from glycine 14088.
Molecular consequence: frameshift variant.
Genome position (GRCh38, 1-based): chr2:178,634,513-178,634,519, CAGGTCC deleted on the plus strand (GGACCTG on the coding strand, the reverse complement: TTN is on the minus strand). VCF-style (leftmost placement, unchanged base first): chr2-178634512-TCAGGTCC-T. GRCh37 (hg19) VCF-style: chr2-179499239-TCAGGTCC-T.
Other names: c.37339_37345del, p.Gly12447fs (NM_001256850.1); c.15067_15073del, p.Gly5023fs (NM_003319.4); c.34558_34564del, p.Gly11520fs (NM_133378.4); c.15442_15448del, p.Gly5148fs (NM_133432.3); c.15643_15649del, p.Gly5215fs (NM_133437.4); short protein forms G12447fs, G14088fs, G5023fs, G11520fs, G5148fs, G5215fs.
Identifiers: ClinVar variation 4785982 (VCV004785982.1).

ClinVar aggregate classification (germline): Likely pathogenic (1 of 4 stars; one submission).

Conditions:
Autosomal recessive limb-girdle muscular dystrophy type 2J (LGMDR10). Also called: Limb-girdle muscular dystrophy, type 2J; MUSCULAR DYSTROPHY, LIMB-GIRDLE, AUTOSOMAL RECESSIVE 10. Identifiers: Orphanet 140922, MedGen C1837342, MONDO:0012127, OMIM 608807.
Dilated cardiomyopathy 1G (CMD1G). Identifiers: Orphanet 154, MedGen C1858763, MONDO:0011400, OMIM 604145.

Submission:

Labcorp Genetics (formerly Invitae), Labcorp
Classification: Likely pathogenic for Dilated cardiomyopathy 1G; Autosomal recessive limb-girdle muscular dystrophy type 2J. Last evaluated: 2025-08-29. Review status: criteria provided, single submitter. Criteria: Invitae Variant Classification Sherloc (09022015). Collection method: clinical testing. Allele origin: germline.
Comment: This sequence change creates a premature translational stop signal (p.Gly14088Ilefs*2) in the TTN gene. While this is not anticipated to result in nonsense mediated decay, it is expected to create a truncated TTN protein. This variant is not present in population databases (gnomAD no frequency). This variant has not been reported in the literature in individuals affected with TTN-related conditions. This variant is located in the I band of TTN (PMID: 25589632). Truncating variants in this region have been reported in individuals affected with autosomal recessive centronuclear myopathy (PMID: 23975875, internal data). Truncating variants in this region have also been identified in individuals affected with autosomal dominant dilated cardiomyopathy and/or cardio-related conditions (PMID: 27869827, 32964742, internal data). In summary, the currently available evidence indicates that the variant is pathogenic, but additional data are needed to prove that conclusively. Therefore, this variant has been classified as Likely Pathogenic.

Literature cited by the submitters: PubMed 25589632; PubMed 23975875; PubMed 27869827; PubMed 32964742.